The following is an entry in ClinVar:

NM_002471.4(MYH6):c.3584G>A (p.Arg1195His)

Gene: MYH6 (myosin heavy chain 6; minus strand). Cytogenetic location: 14q11.2.
Variant type: single nucleotide variant.
Coding change: c.3584G>A on transcript NM_002471.4 (MANE Select); coding-DNA position 3584, G replaced by A.
Protein change: p.Arg1195His; replaces arginine 1195 with histidine.
Molecular consequence: missense variant.
Genome position (GRCh38, 1-based): chr14:23,390,205, C>T on the plus strand (G>A on the coding strand, the complement: MYH6 is on the minus strand). VCF-style: chr14-23390205-C-T. GRCh37 (hg19) VCF-style: chr14-23859414-C-T.
Other names: short protein forms R1195H.
Identifiers: ClinVar variation 429396 (VCV000429396.29), dbSNP rs747891865, ClinGen allele CA7115134.

ClinVar aggregate classification (germline): Uncertain significance. Review status: criteria provided, multiple submitters, no conflicts (2 of 4 stars). 6 submissions from 6 submitters: Uncertain significance (6). Last evaluated 2026-05-02.

Conditions:
Atrial septal defect 3 (ASD3). Identifiers: Orphanet 1478, MedGen C3279790, MONDO:0013567, OMIM 614089.
Hypertrophic cardiomyopathy 1 (CMH1). Also called: Familial hypertrophic cardiomyopathy 1; MYH7-Related Familial Hypertrophic Cardiomyopathy. Identifiers: MedGen C3495498, MONDO:0008647, OMIM 192600.
Sick sinus syndrome 3, susceptibility to (SSS3). Identifiers: Orphanet 166282, MedGen C3279791, MONDO:0013568, OMIM 614090.
Dilated cardiomyopathy 1EE (CMD1EE). Identifiers: Orphanet 154, MedGen C2750466, MONDO:0013198, OMIM 613252.
Hypertrophic cardiomyopathy 14. Identifiers: MedGen C2750467, MONDO:0013197, OMIM 613251.
MYH6-related disorder. Also called: MYH6-Related Disorders; MYH6-related condition.
Cardiovascular phenotype. Identifiers: MedGen CN230736.

Allele frequency attached by ClinVar (database versions not stated): gnomAD 0.00001; gnomAD exomes 0.00003 and 0.00005; TOPMed 0.00003; ExAC 0.00004.

Submissions (6):

PreventionGenetics, part of Exact Sciences
Classification: Uncertain significance for MYH6-related condition. Last evaluated: 2026-05-02. Review status: criteria provided, single submitter. Criteria: ACMG Guidelines, 2015. Collection method: clinical testing. Allele origin: germline.
Comment: The MYH6 c.3584G>A variant is predicted to result in the amino acid substitution p.Arg1195His. To our knowledge, this variant has not been reported in the literature. This variant is reported in 0.0096% of alleles in individuals of European (Non-Finnish) descent in gnomAD. At this time, the clinical significance of this variant is uncertain due to the absence of conclusive functional and genetic evidence.

CeGaT Center for Human Genetics Tuebingen
Classification: Uncertain significance. Last evaluated: 2026-04-01. Review status: criteria provided, single submitter. Criteria: CeGaT Center For Human Genetics Tuebingen Variant Classification Criteria Version 2. Collection method: clinical testing. Allele origin: germline. Affected: yes. Observed: 2 variant alleles.
Comment: MYH6: PM2:Supporting, PP2, PP3

Labcorp Genetics (formerly Invitae), Labcorp
Classification: Uncertain significance for Hypertrophic cardiomyopathy 14. Last evaluated: 2025-06-12. Review status: criteria provided, single submitter. Criteria: Invitae Variant Classification Sherloc (09022015). Collection method: clinical testing. Allele origin: germline.
Comment: This sequence change replaces arginine, which is basic and polar, with histidine, which is basic and polar, at codon 1195 of the MYH6 protein (p.Arg1195His). This variant is present in population databases (rs747891865, gnomAD 0.008%). This variant has not been reported in the literature in individuals affected with MYH6-related conditions. ClinVar contains an entry for this variant (Variation ID: 429396). Invitae Evidence Modeling of protein sequence and biophysical properties (such as structural, functional, and spatial information, amino acid conservation, physicochemical variation, residue mobility, and thermodynamic stability) indicates that this missense variant is expected to disrupt MYH6 protein function with a positive predictive value of 80%. In summary, the available evidence is currently insufficient to determine the role of this variant in disease. Therefore, it has been classified as a Variant of Uncertain Significance.

Ambry Genetics
Classification: Uncertain significance for Cardiovascular phenotype. Last evaluated: 2025-03-18. Review status: criteria provided, single submitter. Criteria: Ambry Variant Classification Scheme 2023. Collection method: clinical testing. Allele origin: germline.
Comment: The p.R1195H variant (also known as c.3584G>A), located in coding exon 24 of the MYH6 gene, results from a G to A substitution at nucleotide position 3584. The arginine at codon 1195 is replaced by histidine, an amino acid with highly similar properties. This amino acid position is highly conserved in available vertebrate species. In addition, this alteration is predicted to be deleterious by in silico analysis. Based on the available evidence, the clinical significance of this variant remains unclear.

Fulgent Genetics
Classification: Uncertain significance for Hypertrophic cardiomyopathy 1; Hypertrophic cardiomyopathy 14; Dilated cardiomyopathy 1EE; Atrial septal defect 3; Sick sinus syndrome 3, susceptibility to. Last evaluated: 2021-08-09. Review status: criteria provided, single submitter. Criteria: ACMG Guidelines, 2015. Collection method: clinical testing. Allele origin: unknown.

GeneDx
Classification: Uncertain significance. Last evaluated: 2020-11-23. Review status: criteria provided, single submitter. Criteria: GeneDx Variant Classification Process June 2021. Collection method: clinical testing. Allele origin: germline. Affected: yes.
Comment: Has not been previously published as pathogenic or benign to our knowledge; In silico analysis supports that this missense variant has a deleterious effect on protein structure/function